The following is an entry in ClinVar:

NM_001110556.2(FLNA):c.7301C>T (p.Ala2434Val)

Gene: FLNA (filamin A; minus strand). Cytogenetic location: Xq28.
Variant type: single nucleotide variant.
Coding change: c.7301C>T on transcript NM_001110556.2 (MANE Select); coding-DNA position 7301, C replaced by T.
Protein change: p.Ala2434Val; replaces alanine 2434 with valine.
Molecular consequence: missense variant.
Genome position (GRCh38, 1-based): chrX:154,350,063, G>A on the plus strand (C>T on the coding strand, the complement: FLNA is on the minus strand). VCF-style: chrX-154350063-G-A. GRCh37 (hg19) VCF-style: chrX-153578431-G-A.
Other names: c.7277C>T, p.Ala2426Val (NM_001456.4); c.7277C>T (NM_001456.3); short protein forms A2426V, A2434V.
Identifiers: ClinVar variation 1997481 (VCV001997481.6), dbSNP rs2067607175, ClinGen allele CA415183740.

ClinVar aggregate classification (germline): Uncertain significance. Review status: criteria provided, multiple submitters, no conflicts (2 of 4 stars). 3 submissions from 3 submitters: Uncertain significance (3). Last evaluated 2026-08-13.

Conditions:
Melnick-Needles syndrome (MNS). Also called: MELNICK-NEEDLES OSTEODYSPLASTY; OSTEODYSPLASTY OF MELNICK AND NEEDLES; Melnick-Needles Syndrome (FLNA-MNS). Identifiers: Orphanet 2484, MedGen C0025237, MONDO:0010650, OMIM 309350.
Frontometaphyseal dysplasia (FMD1). Identifiers: Orphanet 1826, MedGen C0265293, MONDO:0015942.
Heterotopia, periventricular, X-linked dominant (PVNH1). Also called: PERIVENTRICULAR NODULAR HETEROTOPIA 4; HETEROTOPIA, PERIVENTRICULAR, 1; PERIVENTRICULAR NODULAR HETEROTOPIA 1; X-linked periventricular heterotopia. Identifiers: Orphanet 2149, Orphanet 82004, MedGen C1848213, MONDO:0010233, OMIM 300049.
Oto-palato-digital syndrome, type II (OPD2). Also called: Otopalatodigital Syndrome, Type II; FACIOPALATOOSSEOUS SYNDROME; OPD II SYNDROME; Otopalatodigital Syndrome Type 2 (FLNA-OPD2). Identifiers: Orphanet 669, Orphanet 90652, MedGen C1844696, MONDO:0010571, OMIM 304120.
Familial thoracic aortic aneurysm and aortic dissection (TAAD). Also called: Thoracic aortic aneurysms and dissections. Identifiers: Orphanet 91387, MedGen C4707243, MONDO:0019625.

Allele frequency attached by ClinVar (database versions not stated): TOPMed 0.00001; gnomAD 0.00001.
gnomAD v4.1: 1 of 1,210,496 alleles (0.000083%); highest among the groups gnomAD compares: Admixed American, 0.0022%; no homozygotes.

Submissions (3):

Ambry Genetics
Classification: Uncertain significance for Familial thoracic aortic aneurysm and aortic dissection. Last evaluated: 2026-08-13. Review status: criteria provided, single submitter. Criteria: Ambry Variant Classification Scheme 2023. Collection method: clinical testing. Allele origin: germline.

Labcorp Genetics (formerly Invitae), Labcorp
Classification: Uncertain significance for Oto-palato-digital syndrome, type II; Heterotopia, periventricular, X-linked dominant; Frontometaphyseal dysplasia; Melnick-Needles syndrome. Last evaluated: 2025-08-20. Review status: criteria provided, single submitter. Criteria: Invitae Variant Classification Sherloc (09022015). Collection method: clinical testing. Allele origin: germline.
Comment: This sequence change replaces alanine, which is neutral and non-polar, with valine, which is neutral and non-polar, at codon 2426 of the FLNA protein (p.Ala2426Val). This variant is not present in population databases (gnomAD no frequency). This variant has not been reported in the literature in individuals affected with FLNA-related conditions. ClinVar contains an entry for this variant (Variation ID: 1997481). Invitae Evidence Modeling of protein sequence and biophysical properties (such as structural, functional, and spatial information, amino acid conservation, physicochemical variation, residue mobility, and thermodynamic stability) indicates that this missense variant is not expected to disrupt FLNA protein function with a negative predictive value of 95%. In summary, the available evidence is currently insufficient to determine the role of this variant in disease. Therefore, it has been classified as a Variant of Uncertain Significance.

GeneDx
Classification: Uncertain significance. Last evaluated: 2024-08-25. Review status: criteria provided, single submitter. Criteria: GeneDx Variant Classification Process June 2021. Collection method: clinical testing. Allele origin: germline. Affected: yes.
Comment: Not observed at significant frequency in large population cohorts (gnomAD); In silico analysis supports that this missense variant has a deleterious effect on protein structure/function; Has not been previously published as pathogenic or benign to our knowledge